The following is an entry in ClinVar:

ClinVar aggregate classification (germline): Likely pathogenic (1 of 4 stars; one submission).

Conditions:
Autosomal recessive nonsyndromic hearing loss 12. Also called: DEAFNESS, AUTOSOMAL RECESSIVE 12. Identifiers: Orphanet 90636, MedGen C1832394, MONDO:0011067, OMIM 601386.

Submission:

King Laboratory, University of Washington
Classification: Likely pathogenic for Autosomal recessive nonsyndromic hearing loss 12. Last evaluated: 2020-08-01. Review status: criteria provided, single submitter. Criteria: Abu Rayyan A et al. (Proc Natl Acad Sci U S A 2020). Collection method: research. Allele origin: germline. Affected: yes.
Comment: CDH23 c.8140G>T, p. D2714Y alters a completely conserved residue of CDH23. The variant is homozygous in 2 children in a Palestinian family with moderate pre-lingual hearing loss (Abu Rayyan 2020). The variant is absent from 1300 Palestinian controls and from gnomAD v2.1.1.

NM_022124.6(CDH23):c.8140G>T (p.Asp2714Tyr)

Gene: CDH23 (cadherin related 23; plus strand). Cytogenetic location: 10q22.1.
Variant type: single nucleotide variant.
Coding change: c.8140G>T on transcript NM_022124.6 (MANE Select); coding-DNA position 8140, G replaced by T.
Protein change: p.Asp2714Tyr; replaces aspartic acid 2714 with tyrosine.
Molecular consequence: missense variant.
Genome position (GRCh38, 1-based): chr10:71,806,243, G>T. VCF-style: chr10-71806243-G-T. GRCh37 (hg19) VCF-style: chr10-73566000-G-T.
Other names: NM_022124.5:c.8140G>T; c.1420G>T, p.Asp474Tyr (NM_001171933.1, NM_001171934.1); short protein forms D2714Y, D474Y.
Identifiers: ClinVar variation 1334116 (VCV001334116.2), dbSNP rs2132985083, ClinGen allele CA377162430.
Genomic context (GRCh38, chr10:71,806,243, plus strand): 5'-AGCGACCTGGGCCAGCCAGTGCCATACGAGACTATGCAGCCGCTGCAGGTGGCCCTGGAG[G>T]ACATCGATGACAACGAACCCCTTTTCGTGAGGCCTCCAGTGAGCTTGCCCACCTCCTGCG-3'
Protein context (NP_071407.4, residues 2704-2724): TMQPLQVALE[Asp2714Tyr]IDDNEPLFVR